The following is an entry in ClinVar:

NM_001077653.2(TBX20):c.430G>A (p.Ala144Thr)

Gene: TBX20 (T-box transcription factor 20; minus strand). Cytogenetic location: 7p14.2.
Variant type: single nucleotide variant.
Coding change: c.430G>A on transcript NM_001077653.2 (MANE Select); coding-DNA position 430, G replaced by A.
Protein change: p.Ala144Thr; replaces alanine 144 with threonine.
Molecular consequence: missense variant.
Genome position (GRCh38, 1-based): chr7:35,248,792, C>T on the plus strand (G>A on the coding strand, the complement: TBX20 is on the minus strand). VCF-style: chr7-35248792-C-T. GRCh37 (hg19) VCF-style: chr7-35288404-C-T.
Other names: c.430G>A, p.Ala144Thr (NM_001166220.1); short protein forms A144T.
Identifiers: ClinVar variation 2770041 (VCV002770041.4), dbSNP rs762233709, ClinGen allele CA4217505.

ClinVar aggregate classification (germline): Uncertain significance. Review status: criteria provided, multiple submitters, no conflicts (2 of 4 stars). 2 submissions from 2 submitters: Uncertain significance (2). Last evaluated 2025-11-20.

Conditions:
Cardiovascular phenotype. Identifiers: MedGen CN230736.

Allele frequency attached by ClinVar (database versions not stated): gnomAD exomes below 0.00001; ExAC 0.00001; gnomAD 0.00001.

Submissions (2):

Ambry Genetics
Classification: Uncertain significance for Cardiovascular phenotype. Last evaluated: 2025-11-20. Review status: criteria provided, single submitter. Criteria: Ambry Variant Classification Scheme 2023. Collection method: clinical testing. Allele origin: germline.

Labcorp Genetics (formerly Invitae), Labcorp
Classification: Uncertain significance. Last evaluated: 2023-10-18. Review status: criteria provided, single submitter. Criteria: Invitae Variant Classification Sherloc (09022015). Collection method: clinical testing. Allele origin: germline.
Comment: This sequence change replaces alanine, which is neutral and non-polar, with threonine, which is neutral and polar, at codon 144 of the TBX20 protein (p.Ala144Thr). This variant is present in population databases (rs762233709, gnomAD 0.02%). This variant has not been reported in the literature in individuals affected with TBX20-related conditions. Advanced modeling of protein sequence and biophysical properties (such as structural, functional, and spatial information, amino acid conservation, physicochemical variation, residue mobility, and thermodynamic stability) performed at Invitae indicates that this missense variant is not expected to disrupt TBX20 protein function. In summary, the available evidence is currently insufficient to determine the role of this variant in disease. Therefore, it has been classified as a Variant of Uncertain Significance.